The following is an entry in ClinVar:

NM_020297.4(ABCC9):c.866T>C (p.Met289Thr)

Gene: ABCC9 (ATP binding cassette subfamily C member 9; minus strand). Cytogenetic location: 12p12.1.
Variant type: single nucleotide variant.
Coding change: c.866T>C on transcript NM_020297.4 (MANE Select); coding-DNA position 866, T replaced by C.
Protein change: p.Met289Thr; replaces methionine 289 with threonine.
Molecular consequence: missense variant. On other transcripts: initiator codon variant (1).
Genome position (GRCh38, 1-based): chr12:21,913,017, A>G on the plus strand (T>C on the coding strand, the complement: ABCC9 is on the minus strand). VCF-style: chr12-21913017-A-G. GRCh37 (hg19) VCF-style: chr12-22065951-A-G.
Other names: c.866T>C, p.Met289Thr (NM_001377273.1, NM_005691.4); c.2T>C, p.Met1Thr (NM_001377274.1); short protein forms M1T, M289T.
Identifiers: ClinVar variation 2722764 (VCV002722764.3), dbSNP rs1948391705, ClinGen allele CA384121750.

ClinVar aggregate classification (germline): Uncertain significance (1 of 4 stars; one submission).

Conditions:
Dilated cardiomyopathy 1O (CMD1O). Also called: CARDIOMYOPATHY, DILATED, WITH VENTRICULAR TACHYCARDIA. Identifiers: Orphanet 154, MedGen C1837839, MONDO:0012062, OMIM 608569.

Allele frequency attached by ClinVar (database versions not stated): gnomAD exomes below 0.00001.
gnomAD v4.1: 2 of 1,611,282 alleles (0.00012%); highest among the groups gnomAD compares: Non-Finnish European, 0.00017%; no homozygotes.

Submission:

Labcorp Genetics (formerly Invitae), Labcorp
Classification: Uncertain significance for Dilated cardiomyopathy 1O. Last evaluated: 2024-01-19. Review status: criteria provided, single submitter. Criteria: Invitae Variant Classification Sherloc (09022015). Collection method: clinical testing. Allele origin: germline.
Comment: This sequence change replaces methionine, which is neutral and non-polar, with threonine, which is neutral and polar, at codon 289 of the ABCC9 protein (p.Met289Thr). This variant is not present in population databases (gnomAD no frequency). This variant has not been reported in the literature in individuals affected with ABCC9-related conditions. Advanced modeling of protein sequence and biophysical properties (such as structural, functional, and spatial information, amino acid conservation, physicochemical variation, residue mobility, and thermodynamic stability) has been performed at Invitae for this missense variant, however the output from this modeling did not meet the statistical confidence thresholds required to predict the impact of this variant on ABCC9 protein function. In summary, the available evidence is currently insufficient to determine the role of this variant in disease. Therefore, it has been classified as a Variant of Uncertain Significance.